The following is an entry in ClinVar:

ClinVar aggregate classification (germline): Uncertain significance. Review status: criteria provided, multiple submitters, no conflicts (2 of 4 stars). 2 submissions from 2 submitters: Uncertain significance (2). Last evaluated 2026-04-26.

Conditions:
Inborn genetic diseases. Identifiers: MedGen C0950123, MeSH D030342.
Fanconi anemia (FA). Also called: Fanconi's anemia. Identifiers: Orphanet 84, MedGen C0015625, MeSH D005199, MONDO:0019391.

Allele frequency attached by ClinVar (database versions not stated): gnomAD exomes below 0.00001.
gnomAD v4.1: 1 of 1,614,194 alleles (0.000062%); highest among the groups gnomAD compares: Non-Finnish European, 0.000085%; no homozygotes.

Submissions (2):

Ambry Genetics
Classification: Uncertain significance for Inborn genetic diseases. Last evaluated: 2026-04-26. Review status: criteria provided, single submitter. Criteria: Ambry Variant Classification Scheme 2023. Collection method: clinical testing. Allele origin: germline.
Comment: The p.L135M variant (also known as c.403C>A), located in coding exon 4 of the FANCG gene, results from a C to A substitution at nucleotide position 403. The leucine at codon 135 is replaced by methionine, an amino acid with highly similar properties. This amino acid position is conserved. In addition, this alteration is predicted to be tolerated by in silico analysis. Based on the available evidence, the clinical significance of this variant remains unclear.

Labcorp Genetics (formerly Invitae), Labcorp
Classification: Uncertain significance for Fanconi anemia. Last evaluated: 2022-03-31. Review status: criteria provided, single submitter. Criteria: Invitae Variant Classification Sherloc (09022015). Collection method: clinical testing. Allele origin: germline.
Comment: This variant is not present in population databases (gnomAD no frequency). This sequence change replaces leucine, which is neutral and non-polar, with methionine, which is neutral and non-polar, at codon 135 of the FANCG protein (p.Leu135Met). This variant has not been reported in the literature in individuals affected with FANCG-related conditions. In summary, the available evidence is currently insufficient to determine the role of this variant in disease. Therefore, it has been classified as a Variant of Uncertain Significance. Algorithms developed to predict the effect of missense changes on protein structure and function output the following: SIFT: "Tolerated"; PolyPhen-2: "Benign"; Align-GVGD: "Class C0". The methionine amino acid residue is found in multiple mammalian species, which suggests that this missense change does not adversely affect protein function.

NM_004629.2(FANCG):c.403C>A (p.Leu135Met)

Gene: FANCG (FA complementation group G; minus strand). Cytogenetic location: 9p13.3.
Variant type: single nucleotide variant.
Coding change: c.403C>A on transcript NM_004629.2 (MANE Select); coding-DNA position 403, C replaced by A.
Protein change: p.Leu135Met; replaces leucine 135 with methionine.
Molecular consequence: missense variant.
Genome position (GRCh38, 1-based): chr9:35,078,248, G>T on the plus strand (C>A on the coding strand, the complement: FANCG is on the minus strand). VCF-style: chr9-35078248-G-T. GRCh37 (hg19) VCF-style: chr9-35078245-G-T.
Other names: short protein forms L135M.
Identifiers: ClinVar variation 2142387 (VCV002142387.6), dbSNP rs2131058453, ClinGen allele CA373314468.